The following is an entry in ClinVar:

ClinVar aggregate classification (germline): Uncertain significance (1 of 4 stars; one submission).

Conditions:
LAMC2-related disorder. Also called: LAMC2-related condition.

gnomAD v4.1: 62 of 1,613,942 alleles (0.0038%); highest among the groups gnomAD compares: African/African-American, 0.077%; no homozygotes.

Submission:

PreventionGenetics, part of Exact Sciences
Classification: Uncertain significance for LAMC2-related condition. Last evaluated: 2025-01-14. Review status: criteria provided, single submitter. Criteria: ACMG Guidelines, 2015. Collection method: clinical testing. Allele origin: germline.
Comment: The LAMC2 c.2773T>A variant is predicted to result in the amino acid substitution p.Ser925Thr. To our knowledge, this variant has not been reported in the literature. This variant is reported in 0.080% of alleles in individuals of African descent in gnomAD. At this time, the clinical significance of this variant is uncertain due to the absence of conclusive functional and genetic evidence.

NM_005562.3(LAMC2):c.2773T>A (p.Ser925Thr)

Gene: LAMC2 (laminin subunit gamma 2; plus strand). Cytogenetic location: 1q25.3.
Variant type: single nucleotide variant.
Coding change: c.2773T>A on transcript NM_005562.3 (MANE Select); coding-DNA position 2773, T replaced by A.
Protein change: p.Ser925Thr; replaces serine 925 with threonine.
Molecular consequence: missense variant.
Genome position (GRCh38, 1-based): chr1:183,238,325, T>A. VCF-style: chr1-183238325-T-A. GRCh37 (hg19) VCF-style: chr1-183207460-T-A.
Other names: c.2773T>A, p.Ser925Thr (NM_018891.3); short protein forms S925T.
Identifiers: ClinVar variation 4981250 (VCV004981250.1).